The following is an entry in ClinVar:

ClinVar aggregate classification (germline): Uncertain significance (1 of 4 stars; one submission).

Submission:

CeGaT Center for Human Genetics Tuebingen
Classification: Uncertain significance. Last evaluated: 2024-12-01. Review status: criteria provided, single submitter. Criteria: CeGaT Center For Human Genetics Tuebingen Variant Classification Criteria Version 2. Collection method: clinical testing. Allele origin: germline. Affected: yes. Observed: 1 variant allele.
Comment: CDH8: PM2

NM_001796.5(CDH8):c.2305_2306del (p.Ser769fs)

Gene: CDH8 (cadherin 8; minus strand). Cytogenetic location: 16q21.
Variant type: Deletion.
Coding change: c.2305_2306del on transcript NM_001796.5 (MANE Select); coding-DNA positions 2305 to 2306, 2 bases deleted (TC; older notation c.2305_2306delTC).
Protein change: p.Ser769fs; shifts the reading frame from serine 769.
Molecular consequence: frameshift variant.
Genome position (GRCh38, 1-based): chr16:61,653,702-61,653,703, GA deleted on the plus strand (TC on the coding strand, the reverse complement: CDH8 is on the minus strand); deleting any 2 consecutive bases within chr16:61,653,702-61,653,704 gives the same sequence; the c. name uses the placement nearest the transcript's 3' end. VCF-style (leftmost placement, unchanged base first): chr16-61653701-TGA-T. GRCh37 (hg19) VCF-style: chr16-61687605-TGA-T.
Other names: short protein forms S769fs.
Identifiers: ClinVar variation 3772071 (VCV003772071.13).